The following is an entry in ClinVar:

NM_001379500.1(COL18A1):c.1274_1283del (p.Pro425fs)

Gene: COL18A1 (collagen type XVIII alpha 1 chain; plus strand). Cytogenetic location: 21q22.3.
Variant type: Deletion.
Coding change: c.1274_1283del on transcript NM_001379500.1 (MANE Select); coding-DNA positions 1274 to 1283, 10 bases deleted (CCGGGACTCC; older notation c.1274_1283delCCGGGACTCC).
Protein change: p.Pro425fs; shifts the reading frame from proline 425.
Molecular consequence: frameshift variant.
Genome position (GRCh38, 1-based): chr21:45,479,927-45,479,936, CCGGGACTCC deleted; deleting any 10 consecutive bases within chr21:45,479,924-45,479,936 gives the same sequence; the c. name uses the placement nearest the transcript's 3' end. VCF-style (leftmost placement, unchanged base first): chr21-45479923-TTCCCCGGGAC-T. GRCh37 (hg19) VCF-style: chr21-46899837-TTCCCCGGGAC-T.
Other names: c.1814_1823del, p.Pro605fs (NM_030582.4); c.2519_2528del, p.Pro840fs (NM_130444.3); short protein forms P425fs, P605fs, P840fs.
Identifiers: ClinVar variation 1457175 (VCV001457175.8), dbSNP rs776238441, ClinGen allele CA10066216.

ClinVar aggregate classification (germline): Pathogenic. Review status: criteria provided, multiple submitters, no conflicts (2 of 4 stars). 2 submissions from 2 submitters: Pathogenic (2). Last evaluated 2022-04-13.

Conditions:
Knobloch syndrome 1 (KNO1). Identifiers: MedGen C4551775, MONDO:0800167, OMIM 267750.

Submissions (2):

MGZ Medical Genetics Center
Classification: Pathogenic for Knobloch syndrome 1. Last evaluated: 2022-04-13. Review status: criteria provided, single submitter. Criteria: ACMG Guidelines, 2015. Collection method: clinical testing. Allele origin: germline. Affected: yes. Observed: 1 variant allele.
Comment: ACMG criteria applied: PVS1, PS4_SUP, PM2_SUP, PM3_SUP

Labcorp Genetics (formerly Invitae), Labcorp
Classification: Pathogenic. Last evaluated: 2022-03-03. Review status: criteria provided, single submitter. Criteria: Invitae Variant Classification Sherloc (09022015). Collection method: clinical testing. Allele origin: germline.
Comment: This sequence change creates a premature translational stop signal (p.Pro425Glnfs*4) in the COL18A1 gene. It is expected to result in an absent or disrupted protein product. Loss-of-function variants in COL18A1 are known to be pathogenic (PMID: 12415512, 25456301). This variant is present in population databases (rs776238441, gnomAD 0.0009%). This variant has not been reported in the literature in individuals affected with COL18A1-related conditions. For these reasons, this variant has been classified as Pathogenic.

Literature cited by the submitters: PubMed 12415512 (cited by Labcorp Genetics (formerly Invitae), Labcorp); PubMed 25456301 (cited by Labcorp Genetics (formerly Invitae), Labcorp).